The following is an entry in ClinVar:

ClinVar aggregate classification (germline): not provided (0 of 4 stars; one submission).

Allele frequency attached by ClinVar (database versions not stated): ESP Exome Variant Server 0.00008; gnomAD 0.00024 and 0.00038; TOPMed 0.00045; gnomAD exomes 0.00053; ExAC 0.00056; 1000 Genomes Project 30x 0.00062; 1000 Genomes Project 0.00080.
gnomAD v4.1: 471 of 1,612,498 alleles (0.029%); highest among the groups gnomAD compares: East Asian, 0.89%; no homozygotes.

Submission:

ITMI
No classification provided. Condition: AllHighlyPenetrant. Last evaluated: 2013-09-19. Review status: no classification provided. Collection method: reference population. Allele origin: germline.
Comment: Please see associated publication for description of ethnicities

Literature cited by the submitters: PubMed 24728327.

NM_030917.4(FIP1L1):c.695A>G (p.Asn232Ser)

Gene: FIP1L1 (factor interacting with PAPOLA and CPSF1; plus strand). Cytogenetic location: 4q12.
Variant type: single nucleotide variant.
Coding change: c.695A>G on transcript NM_030917.4 (MANE Select); coding-DNA position 695, A replaced by G.
Protein change: p.Asn232Ser; replaces asparagine 232 with serine.
Molecular consequence: missense variant. On other transcripts: non-coding transcript variant (1), intron variant (31).
Genome position (GRCh38, 1-based): chr4:53,391,488, A>G. VCF-style: chr4-53391488-A-G. GRCh37 (hg19) VCF-style: chr4-54257655-A-G.
Other names: c.650A>G, p.Asn217Ser (NM_001134937.2, NM_001376750.1, NM_001376769.1 and 2 more transcripts); c.695A>G, p.Asn232Ser (NM_001376744.1, NM_001376745.1, NM_001376746.1 and 4 more transcripts); c.578A>G, p.Asn193Ser (NM_001376782.1); c.636+349A>G (NM_001376748.1, NM_001376749.1, NM_001376752.1 and 11 more transcripts); c.462+903A>G (NM_001376785.1); c.528+349A>G (NM_001376772.1); c.633+349A>G (NM_001376755.1); c.591+349A>G (NM_001376758.1, NM_001376760.1, NM_001376767.1 and 11 more transcripts); short protein forms N232S, N217S, N193S.
Identifiers: ClinVar variation 134419 (VCV000134419.1), dbSNP rs151072018, ClinGen allele CA159752.